The following is an entry in ClinVar:

ClinVar aggregate classification (germline): Conflicting classifications of pathogenicity. Review status: criteria provided, conflicting classifications (1 of 4 stars). 3 submissions from 3 submitters: Uncertain significance (1); Benign (1). 1 of the submissions does not count toward it. Last evaluated 2026-02-06.

Conditions:
NR5A1-related disorder. Also called: NR5A1-related condition.
46 XY differences of sex development. Also called: 46, XY disorder of sex development (DSD); 46,XY disorder of sex development. Identifiers: Orphanet 98085, MedGen C2751824, MONDO:0020040.
Oligosynaptic infertility (SPGF1). Also called: SPERMATOGENIC FAILURE 1; OLIGOCHIASMATIC INFERTILITY. Identifiers: MedGen C0403810, MONDO:0009776, OMIM 258150.

Allele frequency attached by ClinVar (database versions not stated): ExAC 0.00014; 1000 Genomes Project 0.00020; gnomAD exomes 0.00003 and 0.00011; TOPMed 0.00035; 1000 Genomes Project 30x 0.00016; gnomAD 0.00026 and 0.00029; ESP Exome Variant Server 0.00038.
gnomAD v4.1: 81 of 1,613,668 alleles (0.005%); highest among the groups gnomAD compares: African/African-American, 0.083%; no homozygotes.

Submissions (3):

GeneDx
Classification: Uncertain significance. Last evaluated: 2026-02-06. Review status: criteria provided, single submitter. Criteria: GeneDx Variant Classification Process June 2021. Collection method: clinical testing. Allele origin: germline. Affected: yes.
Comment: Has not been previously published as pathogenic or benign to our knowledge; In silico analysis suggests that this variant does not alter splicing

Labcorp Genetics (formerly Invitae), Labcorp
Classification: Benign for 46 XY differences of sex development; Oligosynaptic infertility. Last evaluated: 2025-07-09. Review status: criteria provided, single submitter. Criteria: Invitae Variant Classification Sherloc (09022015). Collection method: clinical testing. Allele origin: germline.

PreventionGenetics, part of Exact Sciences
Classification: Likely benign for NR5A1-related condition. Last evaluated: 2021-06-01. Review status: no assertion criteria provided. Collection method: clinical testing. Allele origin: germline. Not counted in ClinVar's aggregate classification.
Comment: This variant is classified as likely benign based on ACMG/AMP sequence variant interpretation guidelines (Richards et al. 2015 PMID: 25741868, with internal and published modifications).

NM_004959.5(NR5A1):c.1314C>T (p.Tyr438=)

Gene: NR5A1 (nuclear receptor subfamily 5 group A member 1; minus strand). Cytogenetic location: 9q33.3.
Variant type: single nucleotide variant.
Coding change: c.1314C>T on transcript NM_004959.5 (MANE Select); coding-DNA position 1314, C replaced by T.
Protein change: p.Tyr438=; no amino-acid change (tyrosine 438 retained).
Molecular consequence: synonymous variant.
Genome position (GRCh38, 1-based): chr9:124,482,830, G>A on the plus strand (C>T on the coding strand, the complement: NR5A1 is on the minus strand). VCF-style: chr9-124482830-G-A. GRCh37 (hg19) VCF-style: chr9-127245109-G-A.
Identifiers: ClinVar variation 1306705 (VCV001306705.6), dbSNP rs142188133, ClinGen allele CA5235243.